The following is an entry in ClinVar:

ClinVar aggregate classification (germline): Likely benign. Review status: criteria provided, multiple submitters, no conflicts (2 of 4 stars). 3 submissions from 3 submitters: Likely benign (2). 1 of the submissions does not count toward it. Last evaluated 2025-02-24.

Conditions:
Autism spectrum disorder. Also called: Autism spectrum disorders. Identifiers: MedGen C1510586, MeSH D000067877, MONDO:0005258.

Allele frequency attached by ClinVar (database versions not stated): gnomAD 0.00001; TOPMed 0.00001; gnomAD exomes 0.00005; ExAC 0.00009.

Submissions (3):

Women's Health and Genetics/Laboratory Corporation of America, LabCorp
Classification: Likely benign. Last evaluated: 2025-02-24. Review status: criteria provided, single submitter. Criteria: LabCorp Variant Classification Summary - May 2015. Collection method: clinical testing. Allele origin: germline.
Comment: Variant summary: POGZ c.130G>A (p.Val44Met) results in a conservative amino acid change in the encoded protein sequence. Four of five in-silico tools predict a damaging effect of the variant on protein function. The variant allele was found at a frequency of 5.2e-05 in 249246 control chromosomes in the gnomAD database, including 1 homozygote. To our knowledge, no occurrence of c.130G>A in individuals affected with White-Sutton Syndrome and no experimental evidence demonstrating its impact on protein function have been reported. ClinVar contains an entry for this variant (Variation ID: 560595). Based on the evidence outlined above, the variant was classified as likely benign.

CeGaT Center for Human Genetics Tuebingen
Classification: Likely benign. Last evaluated: 2018-07-01. Review status: criteria provided, single submitter. Criteria: CeGaT Center For Human Genetics Tuebingen Variant Classification Criteria Version 2. Collection method: clinical testing. Allele origin: germline. Affected: yes. Observed: 1 variant allele.

Center of Medical Genetics, Central South University
Classification: association for Autism spectrum disorder. Review status: no assertion criteria provided. Collection method: clinical testing. Allele origin: unknown. Affected: yes. Observed: 1 variant allele. Not counted in ClinVar's aggregate classification.

NM_015100.4(POGZ):c.130G>A (p.Val44Met)

Gene: POGZ (pogo transposable element derived with ZNF domain; minus strand). Cytogenetic location: 1q21.3.
Variant type: single nucleotide variant.
Coding change: c.130G>A on transcript NM_015100.4 (MANE Select); coding-DNA position 130, G replaced by A.
Protein change: p.Val44Met; replaces valine 44 with methionine.
Molecular consequence: missense variant. On other transcripts: intron variant (2).
Genome position (GRCh38, 1-based): chr1:151,441,081, C>T on the plus strand (G>A on the coding strand, the complement: POGZ is on the minus strand). VCF-style: chr1-151441081-C-T. GRCh37 (hg19) VCF-style: chr1-151413557-C-T.
Other names: c.130G>A, p.Val44Met (NM_001194937.2, NM_145796.4); c.124+1000G>A (NM_001194938.2, NM_207171.2); short protein forms V44M.
Identifiers: ClinVar variation 560595 (VCV000560595.44), dbSNP rs752798900, ClinGen allele CA1091711.